The following is an entry in ClinVar:

NM_032806.6(POMGNT2):c.12G>A (p.Ser4=)

Gene: POMGNT2 (protein O-linked mannose N-acetylglucosaminyltransferase 2 (beta 1,4-); minus strand). Cytogenetic location: 3p22.1.
Variant type: single nucleotide variant.
Coding change: c.12G>A on transcript NM_032806.6 (MANE Select); coding-DNA position 12, G replaced by A.
Protein change: p.Ser4=; no amino-acid change (serine 4 retained).
Molecular consequence: synonymous variant.
Genome position (GRCh38, 1-based): chr3:43,081,420, C>T on the plus strand (G>A on the coding strand, the complement: POMGNT2 is on the minus strand). VCF-style: chr3-43081420-C-T. GRCh37 (hg19) VCF-style: chr3-43122912-C-T.
Other names: c.12G>A (NM_032806.4).
Identifiers: ClinVar variation 436368 (VCV000436368.37), dbSNP rs368531523, ClinGen allele CA2340179.

ClinVar aggregate classification (germline): Conflicting classifications of pathogenicity. Review status: criteria provided, conflicting classifications (1 of 4 stars). 4 submissions from 4 submitters: Uncertain significance (1); Likely benign (3). Last evaluated 2025-08-02.

Conditions:
Inborn genetic diseases. Identifiers: MedGen C0950123, MeSH D030342.
Muscular dystrophy-dystroglycanopathy (congenital with brain and eye anomalies), type a, 8 (MDDGA8). Also called: WALKER-WARBURG SYNDROME OR MUSCLE-EYE-BRAIN DISEASE, GTDC2-RELATED. Identifiers: Orphanet 899, MedGen C3553813, MONDO:0013904, OMIM 614830.

Allele frequency attached by ClinVar (database versions not stated): gnomAD 0.00005 and 0.00008; ESP Exome Variant Server 0.00008; TOPMed 0.00009; 1000 Genomes Project 30x 0.00031; 1000 Genomes Project 0.00040.
gnomAD v4.1: 165 of 1,571,152 alleles (0.011%); highest among the groups gnomAD compares: South Asian, 0.068%; no homozygotes.

Submissions (4):

Labcorp Genetics (formerly Invitae), Labcorp
Classification: Likely benign for Muscular dystrophy-dystroglycanopathy (congenital with brain and eye anomalies), type a, 8. Last evaluated: 2025-08-02. Review status: criteria provided, single submitter. Criteria: Invitae Variant Classification Sherloc (09022015). Collection method: clinical testing. Allele origin: germline.

Ambry Genetics
Classification: Likely benign for Inborn genetic diseases. Last evaluated: 2025-05-14. Review status: criteria provided, single submitter. Criteria: Ambry Variant Classification Scheme 2023. Collection method: clinical testing. Allele origin: germline.

CeGaT Center for Human Genetics Tuebingen
Classification: Likely benign. Last evaluated: 2022-07-01. Review status: criteria provided, single submitter. Criteria: CeGaT Center For Human Genetics Tuebingen Variant Classification Criteria Version 2. Collection method: clinical testing. Allele origin: germline. Affected: yes. Observed: 1 variant allele.
Comment: POMGNT2: BP4, BP7

Genetic Services Laboratory, University of Chicago
Classification: Uncertain significance. Last evaluated: 2015-08-25. Review status: criteria provided, single submitter. Criteria: ACMG Guidelines, 2015. Collection method: clinical testing. Allele origin: germline. Affected: no.